The following is an entry in ClinVar:

ClinVar aggregate classification (germline): Benign/Likely benign. Review status: criteria provided, multiple submitters, no conflicts (2 of 4 stars). 3 submissions from 3 submitters: Benign (1); Likely benign (2). Last evaluated 2025-12-27.

Conditions:
Hereditary nonpolyposis colorectal neoplasms. Identifiers: MedGen C0009405, MeSH D003123.
Hereditary cancer-predisposing syndrome. Also called: Neoplastic Syndromes, Hereditary; Tumor predisposition; Hereditary Cancer Syndrome; Hereditary neoplastic syndrome. Identifiers: Orphanet 140162, MedGen C0027672, MeSH D009386, MONDO:0015356.
Lynch syndrome 4 (LYNCH4). Also called: Colorectal cancer, hereditary nonpolyposis, type 4; Hereditary non-polyposis colorectal cancer, type 4. Identifiers: Orphanet 144, MedGen C1838333, MONDO:0013699, OMIM 614337. Disease mechanism: loss of function.

Allele frequency attached by ClinVar (database versions not stated): gnomAD exomes below 0.00001; ExAC 0.00001; gnomAD 0.00001; TOPMed 0.00001; ESP Exome Variant Server 0.00008.
gnomAD v4.1: 1 of 1,603,752 alleles (0.000062%); highest among the groups gnomAD compares: African/African-American, 0.0014%; no homozygotes.

Submissions (3):

Labcorp Genetics (formerly Invitae), Labcorp
Classification: Likely benign for Hereditary nonpolyposis colorectal neoplasms. Last evaluated: 2025-12-27. Review status: criteria provided, single submitter. Criteria: Invitae Variant Classification Sherloc (09022015). Collection method: clinical testing. Allele origin: germline.

Myriad Genetics, Inc.
Classification: Benign for Lynch syndrome 4. Last evaluated: 2025-02-04. Review status: criteria provided, single submitter. Criteria: Myriad Autosomal Dominant, Autosomal Recessive and X-Linked Classification Criteria (2023). Collection method: clinical testing. Allele origin: unknown.
Comment: This variant is considered benign. This variant is a silent/synonymous amino acid change and it is not expected to impact splicing.

Ambry Genetics
Classification: Likely benign for Hereditary cancer-predisposing syndrome. Last evaluated: 2018-03-30. Review status: criteria provided, single submitter. Criteria: Ambry Variant Classification Scheme 2023. Collection method: clinical testing. Allele origin: germline.

NM_000535.7(PMS2):c.2385G>C (p.Gly795=)

Gene: PMS2 (PMS1 homolog 2, mismatch repair system component; minus strand). Cytogenetic location: 7p22.1.
Variant type: single nucleotide variant.
Coding change: c.2385G>C on transcript NM_000535.7 (MANE Select); coding-DNA position 2385, G replaced by C.
Protein change: p.Gly795=; no amino-acid change (glycine 795 retained).
Molecular consequence: synonymous variant. On other transcripts: non-coding transcript variant (1).
Genome position (GRCh38, 1-based): chr7:5,977,648, C>G on the plus strand (G>C on the coding strand, the complement: PMS2 is on the minus strand). VCF-style: chr7-5977648-C-G. GRCh37 (hg19) VCF-style: chr7-6017279-C-G.
Other names: c.1980G>C, p.Gly660= (NM_001322003.2, NM_001322004.2, NM_001322005.2); c.2229G>C, p.Gly743= (NM_001322006.2); c.2067G>C, p.Gly689= (NM_001322007.2, NM_001322008.2); c.2013G>C, p.Gly671= (NM_001322009.2); c.1824G>C, p.Gly608= (NM_001322010.2); c.1452G>C, p.Gly484= (NM_001322011.2, NM_001322012.2); c.1812G>C, p.Gly604= (NM_001322013.2); c.2418G>C, p.Gly806= (NM_001322014.2); and 1 more.
Identifiers: ClinVar variation 821188 (VCV000821188.13), dbSNP rs372868520, ClinGen allele CA047944.